The following is an entry in ClinVar:

NM_000293.3(PHKB):c.*2086A>G

Gene: PHKB (phosphorylase kinase regulatory subunit beta; plus strand). Cytogenetic location: 16q12.1.
Variant type: single nucleotide variant.
Coding change: c.*2086A>G on transcript NM_000293.3 (MANE Select); 2086 bases downstream of the stop codon, A replaced by G.
Molecular consequence: 3 prime UTR variant.
Genome position (GRCh38, 1-based): chr16:47,701,452, A>G. VCF-style: chr16-47701452-A-G. GRCh37 (hg19) VCF-style: chr16-47735363-A-G.
Other names: c.*2086A>G (NM_001031835.3, NM_001363837.1).
Identifiers: ClinVar variation 319387 (VCV000319387.5), dbSNP rs9940720, ClinGen allele CA10647550.
Genomic context (GRCh38, chr16:47,701,452, plus strand): 5'-TCTGAAGTTTTCCTGTGCTACTCCTGAAAGCATTCAGAATCTGTGACACGTATTGACTTC[A>G]TGCTTTGAGATTCAAAATTTATTGTTCTGAAAGTTATATTTAGAATCAGTAAATCTTGAT-3'

ClinVar aggregate classification (germline): Benign (1 of 4 stars; one submission).

Conditions:
Glycogen storage disease IXb (GSD9B). Also called: GLYCOGENOSIS OF LIVER AND MUSCLE, AUTOSOMAL RECESSIVE; GSD IXb; PHOSPHORYLASE KINASE DEFICIENCY OF LIVER AND MUSCLE, AUTOSOMAL RECESSIVE. Identifiers: Orphanet 79240, MedGen C0543514, MONDO:0009868, OMIM 261750.

Allele frequency attached by ClinVar (database versions not stated): 1000 Genomes Project 0.01218; 1000 Genomes Project 30x 0.01280; gnomAD 0.01292 and 0.01397; TOPMed 0.01377.

Submission:

Illumina Laboratory Services, Illumina
Classification: Benign for Glycogen storage disease IXb. Last evaluated: 2018-01-13. Review status: criteria provided, single submitter. Criteria: ICSL Variant Classification Criteria 13 December 2019. Collection method: clinical testing. Allele origin: germline.
Comment: This variant was observed in the ICSL laboratory as part of a predisposition screen in an ostensibly healthy population. It had not been previously curated by ICSL or reported in the Human Gene Mutation Database (HGMD: prior to June 1st, 2018), and was therefore a candidate for classification through an automated scoring system. Utilizing variant allele frequency, disease prevalence and penetrance estimates, and inheritance mode, an automated score was calculated to assess if this variant is too frequent to cause the disease. Based on the score and internal cut-off values, a variant classified as benign is not then subjected to further curation. The score for this variant resulted in a classification of benign for this disease.